The following is an entry in ClinVar:

NM_002500.5(NEUROD1):c.*7G>A

Gene: NEUROD1 (neuronal differentiation 1; minus strand). Cytogenetic location: 2q31.3.
Variant type: single nucleotide variant.
Coding change: c.*7G>A on transcript NM_002500.5 (MANE Select); 7 bases downstream of the stop codon, G replaced by A.
Molecular consequence: 3 prime UTR variant.
Genome position (GRCh38, 1-based): chr2:181,677,783, C>T on the plus strand (G>A on the coding strand, the complement: NEUROD1 is on the minus strand). VCF-style: chr2-181677783-C-T. GRCh37 (hg19) VCF-style: chr2-182542510-C-T.
Identifiers: ClinVar variation 3769344 (VCV003769344.2).

ClinVar aggregate classification (germline): Uncertain significance (1 of 4 stars; one submission).

gnomAD v4.1: 4 of 1,613,936 alleles (0.00025%); highest among the groups gnomAD compares: African/African-American, 0.0053%; no homozygotes.

Submission:

Women's Health and Genetics/Laboratory Corporation of America, LabCorp
Classification: Uncertain significance. Last evaluated: 2025-01-29. Review status: criteria provided, single submitter. Criteria: LabCorp Variant Classification Summary - May 2015. Collection method: clinical testing. Allele origin: germline.
Comment: Variant summary: NEUROD1 c.*7G>A is located in the untranslated mRNA region downstream of the termination codon. The variant allele was found at a frequency of 4e-06 in 251398 control chromosomes. The available data on variant occurrences in the general population are insufficient to allow any conclusion about variant significance. To our knowledge, no occurrence of c.*7G>A in individuals affected with Monogenic Diabetes and no experimental evidence demonstrating its impact on protein function have been reported. No submitters have cited clinical-significance assessments for this variant to ClinVar. Based on the evidence outlined above, the variant was classified as uncertain significance.